The following is an entry in ClinVar:

NM_130811.4(SNAP25):c.542T>A (p.Ile181Asn)

Gene: SNAP25 (synaptosome associated protein 25; plus strand). Cytogenetic location: 20p12.2.
Variant type: single nucleotide variant.
Coding change: c.542T>A on transcript NM_130811.4 (MANE Select); coding-DNA position 542, T replaced by A.
Protein change: p.Ile181Asn; replaces isoleucine 181 with asparagine.
Molecular consequence: missense variant.
Genome position (GRCh38, 1-based): chr20:10,299,402, T>A. VCF-style: chr20-10299402-T-A. GRCh37 (hg19) VCF-style: chr20-10280050-T-A.
Other names: c.542T>A, p.Ile181Asn (NM_001322902.2, NM_001322903.2, NM_001322904.2 and 9 more transcripts); short protein forms I181N.
Identifiers: ClinVar variation 2814496 (VCV002814496.3), dbSNP rs2514853517, ClinGen allele CA408266757.
Genomic context (GRCh38, chr20:10,299,402, plus strand): 5'-GTCACATGGCCCTGGATATGGGCAATGAGATCGATACACAGAATCGCCAGATCGACAGGA[T>A]CATGGAGAAGGTGAGCACGTGGCAGTCAGCAAGTCCCTACTGCGAGTCACTTCTGAAATG-3'
Protein context (NP_570824.1, residues 171-191): IDTQNRQIDR[Ile181Asn]MEKADSNKTR

ClinVar aggregate classification (germline): Likely pathogenic (1 of 4 stars; one submission).

Conditions:
Congenital myasthenic syndrome 18. Also called: MYASTHENIC SYNDROME, CONGENITAL, 18, WITH INTELLECTUAL DISABILITY AND ATAXIA. Identifiers: Orphanet 590, MedGen C4225364, MONDO:0014590, OMIM 616330.

Submission:

Labcorp Genetics (formerly Invitae), Labcorp
Classification: Likely pathogenic for Congenital myasthenic syndrome 18. Last evaluated: 2023-06-05. Review status: criteria provided, single submitter. Criteria: Invitae Variant Classification Sherloc (09022015). Collection method: clinical testing. Allele origin: germline.
Comment: This sequence change replaces isoleucine, which is neutral and non-polar, with asparagine, which is neutral and polar, at codon 181 of the SNAP25 protein (p.Ile181Asn). This variant is not present in population databases (gnomAD no frequency). In summary, the currently available evidence indicates that the variant is pathogenic, but additional data are needed to prove that conclusively. Therefore, this variant has been classified as Likely Pathogenic. An algorithm developed to predict the effect of missense changes on protein structure and function (PolyPhen-2) suggests that this variant is likely to be disruptive. This missense change has been observed in individual(s) with clinical features of SNAP25-related conditions (Invitae). In at least one individual the variant was observed to be de novo.